The following is an entry in ClinVar:

ClinVar aggregate classification (germline): Uncertain significance (1 of 4 stars; one submission).

Conditions:
Aicardi-Goutieres syndrome 7 (AGS7). Identifiers: Orphanet 51, MedGen C3888244, MONDO:0014367, OMIM 615846.
Singleton-Merten syndrome 1 (SGMRT1). Also called: Widened medullary cavities of bone, aortic calcification, abnormal dentition, and muscular weakness; Syndrome of widened medullary cavities of the metacarpals and phalanges, aortic calcification and abnormal dentition. Identifiers: Orphanet 85191, MedGen C4225427, MONDO:0024535, OMIM 182250.

Submission:

Labcorp Genetics (formerly Invitae), Labcorp
Classification: Uncertain significance for Aicardi-Goutieres syndrome 7; Singleton-Merten syndrome 1. Last evaluated: 2023-06-09. Review status: criteria provided, single submitter. Criteria: Invitae Variant Classification Sherloc (09022015). Collection method: clinical testing. Allele origin: germline.
Comment: In summary, the available evidence is currently insufficient to determine the role of this variant in disease. Therefore, it has been classified as a Variant of Uncertain Significance. An algorithm developed to predict the effect of missense changes on protein structure and function (PolyPhen-2) suggests that this variant is likely to be disruptive. This variant has not been reported in the literature in individuals affected with IFIH1-related conditions. This variant is not present in population databases (gnomAD no frequency). This sequence change replaces isoleucine, which is neutral and non-polar, with serine, which is neutral and polar, at codon 873 of the IFIH1 protein (p.Ile873Ser).

NM_022168.4(IFIH1):c.2618T>G (p.Ile873Ser)

Gene: IFIH1 (interferon induced with helicase C domain 1; minus strand). Cytogenetic location: 2q24.2.
Variant type: single nucleotide variant.
Coding change: c.2618T>G on transcript NM_022168.4 (MANE Select); coding-DNA position 2618, T replaced by G.
Protein change: p.Ile873Ser; replaces isoleucine 873 with serine.
Molecular consequence: missense variant.
Genome position (GRCh38, 1-based): chr2:162,268,276, A>C on the plus strand (T>G on the coding strand, the complement: IFIH1 is on the minus strand). VCF-style: chr2-162268276-A-C. GRCh37 (hg19) VCF-style: chr2-163124786-A-C.
Other names: short protein forms I873S.
Identifiers: ClinVar variation 2948700 (VCV002948700.3), dbSNP rs2468944830, ClinGen allele CA348992459.
Genomic context (GRCh38, chr2:162,268,276, plus strand): 5'-GCAATATTTCTCTTGGTTTTCATTTTCTTTTCCATTATACTTTGCATCTGTAATTCCAAA[A>C]TCTGGACAGAGAAAGGAATAGTTAGTGGTTTCAGGTTTGTTTTCTTTTTTCAGTTTCATA-3'
Protein context (NP_071451.2, residues 863-883): NMKPEEYAHK[Ile873Ser]LELQMQSIME